The following is an entry in ClinVar:

ClinVar aggregate classification (germline): Uncertain significance. Review status: criteria provided, multiple submitters, no conflicts (2 of 4 stars). 7 submissions from 7 submitters: Uncertain significance (7). Last evaluated 2026-01-24.

Conditions:
Hereditary cancer-predisposing syndrome. Also called: Neoplastic Syndromes, Hereditary; Hereditary neoplastic syndrome; Hereditary Cancer Syndrome; Tumor predisposition. Identifiers: Orphanet 140162, MedGen C0027672, MeSH D009386, MONDO:0015356.
Gastrointestinal stromal tumor. Also called: Gastrointestinal stromal tumor, somatic; Gastrointestinal stroma tumor. Identifiers: Orphanet 44890, MedGen C0238198, MeSH D046152, MONDO:0011719, OMIM 606764, HP:0100723.
Pheochromocytoma. Also called: MAX-Related Hereditary Paraganglioma-Pheochromocytoma Syndrome. Identifiers: Orphanet 29072, MedGen C0031511, MONDO:0008233, OMIM 171300, HP:0002666.
Pheochromocytoma/paraganglioma syndrome 4. Also called: PARAGANGLIOMA, FAMILIAL MALIGNANT; PARAGANGLIOMAS, HEREDITARY EXTRAADRENAL; PHEOCHROMOCYTOMA, FAMILIAL EXTRAADRENAL; Paragangliomas 4; SDHB-Related Hereditary Paraganglioma-Pheochromocytoma Syndrome (Paragangliomas 4); SDHB-Related Hereditary Paraganglioma-Pheochromocytoma Syndrome. Identifiers: Orphanet 29072, MedGen C1861848, MONDO:0007273, OMIM 115310.
Hereditary pheochromocytoma and paraganglioma. Also called: Hereditary Paraganglioma-Pheochromocytoma Syndromes; Hereditary pheochromocytoma-paraganglioma; Hereditary paragangliomas and pheochromocytomas. Identifiers: Orphanet 29072, MedGen C4274332, MONDO:0017366.

Allele frequency attached by ClinVar (database versions not stated): gnomAD 0.00001; gnomAD exomes 0.00001 and 0.00002; TOPMed 0.00001; ExAC 0.00002.
gnomAD v4.1: 28 of 1,613,912 alleles (0.0017%); highest among the groups gnomAD compares: Non-Finnish European, 0.0022%; no homozygotes.

Submissions (7):

Labcorp Genetics (formerly Invitae), Labcorp
Classification: Uncertain significance for Gastrointestinal stromal tumor; Pheochromocytoma/paraganglioma syndrome 4; Pheochromocytoma. Last evaluated: 2026-01-24. Review status: criteria provided, single submitter. Criteria: Invitae Variant Classification Sherloc (09022015). Collection method: clinical testing. Allele origin: germline.
Comment: This sequence change replaces glycine, which is neutral and non-polar, with arginine, which is basic and polar, at codon 203 of the SDHB protein (p.Gly203Arg). This variant is present in population databases (rs201517260, gnomAD 0.007%). This missense change has been observed in individual(s) with paraganglioma and/or pheochromocytoma (PMID: 19825962, 31492822). ClinVar contains an entry for this variant (Variation ID: 239435). Invitae Evidence Modeling of protein sequence and biophysical properties (such as structural, functional, and spatial information, amino acid conservation, physicochemical variation, residue mobility, and thermodynamic stability) indicates that this missense variant is not expected to disrupt SDHB protein function with a negative predictive value of 80%. In summary, the available evidence is currently insufficient to determine the role of this variant in disease. Therefore, it has been classified as a Variant of Uncertain Significance.

Color Diagnostics, LLC DBA Color Health
Classification: Uncertain significance for Hereditary pheochromocytoma and paraganglioma. Last evaluated: 2025-09-18. Review status: criteria provided, single submitter. Criteria: ACMG Guidelines, 2015. Collection method: clinical testing. Allele origin: germline.
Comment: This missense variant replaces glycine with arginine at codon 203 of the SDHB protein. Computational prediction suggests that this variant may have deleterious impact on protein structure and function. To our knowledge, functional studies have not been reported for this variant. This variant has been reported in an individual affected with pheochromocytoma in the literature (PMID: 19825962, 31492822). This variant has been identified in 2/251304 chromosomes in the general population by the Genome Aggregation Database (gnomAD). The available evidence is insufficient to determine the role of this variant in disease conclusively. Therefore, this variant is classified as a Variant of Uncertain Significance.

Molecular Pathology, Peter Maccallum Cancer Centre
Classification: Uncertain significance for Pheochromocytoma/paraganglioma syndrome 4. Last evaluated: 2025-04-22. Review status: criteria provided, single submitter. Criteria: ACMG Guidelines, 2015. Collection method: clinical testing. Allele origin: germline. Inheritance: Autosomal dominant inheritance.

Ambry Genetics
Classification: Uncertain significance for Hereditary cancer-predisposing syndrome. Last evaluated: 2025-02-06. Review status: criteria provided, single submitter. Criteria: Ambry Variant Classification Scheme 2023. Collection method: clinical testing. Allele origin: germline.
Comment: The p.G203R variant (also known as c.607G>A), located in coding exon 6 of the SDHB gene, results from a G to A substitution at nucleotide position 607. The glycine at codon 203 is replaced by arginine, an amino acid with dissimilar properties. This amino acid position is well conserved in available vertebrate species. In addition, this alteration is predicted to be deleterious by in silico analysis. Based on the available evidence, the clinical significance of this variant remains unclear.

GeneDx
Classification: Uncertain significance. Last evaluated: 2024-06-12. Review status: criteria provided, single submitter. Criteria: GeneDx Variant Classification Process June 2021. Collection method: clinical testing. Allele origin: germline. Affected: yes.
Comment: Not observed at significant frequency in large population cohorts (gnomAD); In silico analysis supports that this missense variant has a deleterious effect on protein structure/function; Observed in at least one individual with phaeochromocytoma-paraganglioma (PMID: 19825962, 31492822); Also known as p.G175R; This variant is associated with the following publications: (PMID: 19825962, 31492822)

All of Us Research Program, National Institutes of Health
Classification: Uncertain significance for Hereditary pheochromocytoma and paraganglioma. Last evaluated: 2024-06-11. Review status: criteria provided, single submitter. Criteria: ACMG Guidelines, 2015. Collection method: clinical testing. Allele origin: germline. Inheritance: Autosomal dominant inheritance. Observed: 5 variant alleles, 5 heterozygotes.
Comment: This missense variant replaces glycine with arginine at codon 203 of the SDHB protein. Computational prediction suggests that this variant may have deleterious impact on protein structure and function (internally defined REVEL score threshold >= 0.7, PMID: 27666373). To our knowledge, functional studies have not been reported for this variant. This variant has been reported in an individual affected with pheochromocytoma in the literature (PMID: 19825962). This variant has been identified in 2/251304 chromosomes in the general population by the Genome Aggregation Database (gnomAD). The available evidence is insufficient to determine the role of this variant in disease conclusively. Therefore, this variant is classified as a Variant of Uncertain Significance.

This study involves interpretation of variants in research participants for the purpose of population health screening. Participant phenotype was not available at the time of variant classification. Additional details can be found in publication PMID: 35346344, PMCID: PMC8962531

Baylor Genetics
Classification: Uncertain significance for Gastrointestinal stromal tumor. Last evaluated: 2023-10-23. Review status: criteria provided, single submitter. Criteria: ACMG Guidelines, 2015. Collection method: clinical testing. Allele origin: unknown.

Literature cited by the submitters: PubMed 19825962 (cited by 4 submitters); PubMed 31492822 (cited by Labcorp Genetics (formerly Invitae), Labcorp and Color Diagnostics, LLC DBA Color Health).

NM_003000.3(SDHB):c.607G>A (p.Gly203Arg)

Gene: SDHB (succinate dehydrogenase complex iron sulfur subunit B; minus strand). Cytogenetic location: 1p36.13.
Variant type: single nucleotide variant.
Coding change: c.607G>A on transcript NM_003000.3 (MANE Select); coding-DNA position 607, G replaced by A.
Protein change: p.Gly203Arg; replaces glycine 203 with arginine.
Molecular consequence: missense variant.
Genome position (GRCh38, 1-based): chr1:17,024,008, C>T on the plus strand (G>A on the coding strand, the complement: SDHB is on the minus strand). VCF-style: chr1-17024008-C-T. GRCh37 (hg19) VCF-style: chr1-17350503-C-T.
Other names: short protein forms G203R.
Identifiers: ClinVar variation 239435 (VCV000239435.22), dbSNP rs201517260, ClinGen allele CA089678.
Genomic context (GRCh38, chr1:17,024,008, plus strand): 5'-TTAAAGCAATTAAGGAGCACCTCACCTGCATAAGAACTGCAGGCCCCAGATATTTGTCTC[C>T]GTTCCACCAGTAGCTGGGGCAGCTGGTGCTACAGCAGGCACAGAGAATGCACTCGTAGAG-3'
Protein context (NP_002991.2, residues 193-213): STSCPSYWWN[Gly203Arg]DKYLGPAVLM